The following is an entry in ClinVar:

NM_002693.3(POLG):c.505del (p.Trp169fs)

Genes: POLG (DNA polymerase gamma, catalytic subunit; minus strand), POLGARF (POLG alternative reading frame; minus strand). Cytogenetic location: 15q26.1.
Variant type: Deletion.
Coding change: c.505del on transcript NM_002693.3 (MANE Select); coding-DNA position 505, one base deleted (T; older notation c.505delT).
Protein change: p.Trp169fs; shifts the reading frame from tryptophan 169.
Molecular consequence: frameshift variant.
Genome position (GRCh38, 1-based): chr15:89,333,250, A deleted on the plus strand (T on the coding strand, the reverse complement: POLG is on the minus strand); the first of 2 consecutive A bases (chr15:89,333,250-89,333,251); deleting either gives the same sequence. VCF-style (leftmost placement, unchanged base first): chr15-89333249-CA-C. GRCh37 (hg19) VCF-style: chr15-89876480-CA-C.
Other names: c.560del, p.Leu187fs (NM_001430120.1); c.505del, p.Trp169fs (NM_001126131.2); short protein forms L187fs, W169fs.
Identifiers: ClinVar variation 5013885 (VCV005013885.1).

ClinVar aggregate classification (germline): Pathogenic (1 of 4 stars; one submission).

Conditions:
POLG-related disorder. Also called: POLG-Related Spectrum Disorders; POLG-related condition; POLG-Related Disorders. Identifiers: MedGen C4763519.

Submission:

Myriad Genetics, Inc.
Classification: Pathogenic for POLG-related disorder. Last evaluated: 2024-12-22. Review status: criteria provided, single submitter. Criteria: Myriad Autosomal Dominant, Autosomal Recessive and X-Linked Classification Criteria (2023). Collection method: clinical testing. Allele origin: unknown.
Comment: NM_002693.2(POLG):c.505delT(W169Gfs*97) is expected to be pathogenic in the context of POLG-related disorders. This variant is predicted to lead to an abnormal or absent protein product due to the creation of a premature termination codon in POLG, a gene where loss-of-function variants are known to be pathogenic. Please note: this variant was assessed in the context of healthy population screening.